The following is an entry in ClinVar:

ClinVar aggregate classification (germline): Uncertain significance (1 of 4 stars; one submission).

Submission:

Labcorp Genetics (formerly Invitae), Labcorp
Classification: Uncertain significance. Last evaluated: 2024-03-26. Review status: criteria provided, single submitter. Criteria: Invitae Variant Classification Sherloc (09022015). Collection method: clinical testing. Allele origin: germline.
Comment: This sequence change replaces glutamine, which is neutral and polar, with glutamic acid, which is acidic and polar, at codon 2249 of the COL7A1 protein (p.Gln2249Glu). This variant is not present in population databases (gnomAD no frequency). This variant has not been reported in the literature in individuals affected with COL7A1-related conditions. Advanced modeling of protein sequence and biophysical properties (such as structural, functional, and spatial information, amino acid conservation, physicochemical variation, residue mobility, and thermodynamic stability) has been performed at Invitae for this missense variant, however the output from this modeling did not meet the statistical confidence thresholds required to predict the impact of this variant on COL7A1 protein function. In summary, the available evidence is currently insufficient to determine the role of this variant in disease. Therefore, it has been classified as a Variant of Uncertain Significance.

NM_000094.4(COL7A1):c.6745C>G (p.Gln2249Glu)

Gene: COL7A1 (collagen type VII alpha 1 chain; minus strand). Cytogenetic location: 3p21.31.
Variant type: single nucleotide variant.
Coding change: c.6745C>G on transcript NM_000094.4 (MANE Select); coding-DNA position 6745, C replaced by G.
Protein change: p.Gln2249Glu; replaces glutamine 2249 with glutamic acid.
Molecular consequence: missense variant.
Genome position (GRCh38, 1-based): chr3:48,573,026, G>C on the plus strand (C>G on the coding strand, the complement: COL7A1 is on the minus strand). VCF-style: chr3-48573026-G-C. GRCh37 (hg19) VCF-style: chr3-48610459-G-C.
Other names: short protein forms Q2249E.
Identifiers: ClinVar variation 3635671 (VCV003635671.2).